The following is an entry in ClinVar:

NM_000297.4(PKD2):c.2023_2024del (p.Met675fs)

Gene: PKD2 (polycystin 2, transient receptor potential cation channel; plus strand). Cytogenetic location: 4q22.1.
Variant type: Microsatellite.
Coding change: c.2023_2024del on transcript NM_000297.4 (MANE Select); coding-DNA positions 2023 to 2024, 2 bases deleted (AT; older notation c.2023_2024delAT).
Protein change: p.Met675fs; shifts the reading frame from methionine 675.
Molecular consequence: frameshift variant. On other transcripts: non-coding transcript variant (1).
Genome position (GRCh38, 1-based): chr4:88,061,909-88,061,910, AT deleted; deleting any 2 consecutive bases within chr4:88,061,907-88,061,910 gives the same sequence; the c. name uses the placement nearest the transcript's 3' end. VCF-style (leftmost placement, unchanged base first): chr4-88061906-AAT-A. GRCh37 (hg19) VCF-style: chr4-88983058-AAT-A.
Other names: short protein forms M675fs.
Identifiers: ClinVar variation 3377078 (VCV003377078.1).

ClinVar aggregate classification (germline): Pathogenic (1 of 4 stars; one submission).

Conditions:
Polycystic kidney disease 2 (PKD2). Also called: POLYCYSTIC KIDNEY DISEASE, ADULT, TYPE II; Polycystic Kidney Disease 2, Autosomal Dominant; POLYCYSTIC KIDNEY DISEASE 2 WITH OR WITHOUT POLYCYSTIC LIVER DISEASE. Identifiers: MedGen C2751306, MONDO:0013131, OMIM 613095.

Submission:

Victorian Clinical Genetics Services, Murdoch Childrens Research Institute
Classification: Pathogenic for Polycystic kidney disease 2. Last evaluated: 2024-10-10. Review status: criteria provided, single submitter. Criteria: ACMG Guidelines, 2015. Collection method: clinical testing. Allele origin: germline. Inheritance: Autosomal dominant inheritance. Affected: yes.
Comment: Based on the classification scheme VCGS_Germline_v1.3.5, this variant is classified as Pathogenic. Following criteria are met: 0102 - Loss of function is a known mechanism of disease in this gene and is associated with polycystic kidney disease 2 (MIM#613095). (I) 0107 - This gene is associated with autosomal dominant disease. (I) 0201 - Variant is predicted to cause nonsense-mediated decay (NMD) and loss of protein (premature termination codon is located at least 54 nucleotides upstream of the final exon-exon junction). (SP) 0251 - This variant is heterozygous. (I) 0302 - Variant is present in gnomAD (v4) <0.001 for a dominant condition (1 heterozygote, 0 homozygotes). (SP) 0701 - Other NMD-predicted variants comparable to the one identified in this case have very strong previous evidence for pathogenicity. Many NMD-predicted variants have been reported as pathogenic (ClinVar). (SP) 0802 - This variant has moderate previous evidence of pathogenicity in unrelated individuals. This variant has been reported in three individuals/families with autosomal dominant polycystic kidney disease (PMIDs: 24611717, 10541293). (SP) 1208 - Inheritance information for this variant is not currently available in this individual. (I) Legend: (SP) - Supporting pathogenic, (I) - Information, (SB) - Supporting benign

Literature cited by the submitters: PubMed 10541293; PubMed 24611717.